The following is an entry in ClinVar:

ClinVar aggregate classification (germline): Uncertain significance (1 of 4 stars; one submission).

Conditions:
Inborn genetic diseases. Identifiers: MedGen C0950123, MeSH D030342.

gnomAD v4.1: 1 of 1,614,122 alleles (0.000062%); highest among the groups gnomAD compares: Non-Finnish European, 0.000085%; no homozygotes.

Submission:

Ambry Genetics
Classification: Uncertain significance for Inborn genetic diseases. Last evaluated: 2026-05-19. Review status: criteria provided, single submitter. Criteria: Ambry Variant Classification Scheme 2023. Collection method: clinical testing. Allele origin: germline.
Comment: The p.W463R variant (also known as c.1387T>C), located in coding exon 10 of the FANCG gene, results from a T to C substitution at nucleotide position 1387. The tryptophan at codon 463 is replaced by arginine, an amino acid with dissimilar properties. This amino acid position is conserved. In addition, this alteration is predicted to be tolerated by in silico analysis. Based on the available evidence, the clinical significance of this variant remains unclear.

NM_004629.2(FANCG):c.1387T>C (p.Trp463Arg)

Gene: FANCG (FA complementation group G; minus strand). Cytogenetic location: 9p13.3.
Variant type: single nucleotide variant.
Coding change: c.1387T>C on transcript NM_004629.2 (MANE Select); coding-DNA position 1387, T replaced by C.
Protein change: p.Trp463Arg; replaces tryptophan 463 with arginine.
Molecular consequence: missense variant.
Genome position (GRCh38, 1-based): chr9:35,075,511, A>G on the plus strand (T>C on the coding strand, the complement: FANCG is on the minus strand). VCF-style: chr9-35075511-A-G. GRCh37 (hg19) VCF-style: chr9-35075508-A-G.
Other names: short protein forms W463R.
Identifiers: ClinVar variation 4871006 (VCV004871006.1).